The following is an entry in ClinVar:

ClinVar aggregate classification (germline): Uncertain significance. Review status: criteria provided, multiple submitters, no conflicts (2 of 4 stars). 2 submissions from 2 submitters: Uncertain significance (2). Last evaluated 2025-11-10.

Conditions:
Hereditary cancer-predisposing syndrome. Also called: Hereditary Cancer Syndrome; Tumor predisposition; Hereditary neoplastic syndrome; Neoplastic Syndromes, Hereditary. Identifiers: Orphanet 140162, MedGen C0027672, MeSH D009386, MONDO:0015356.
Rhabdoid tumor predisposition syndrome 2 (RTPS2). Identifiers: Orphanet 231108, Orphanet 69077, MedGen C2750074, MONDO:0013224, OMIM 613325.

Submissions (2):

Ambry Genetics
Classification: Uncertain significance for Hereditary cancer-predisposing syndrome. Last evaluated: 2025-11-10. Review status: criteria provided, single submitter. Criteria: Ambry Variant Classification Scheme 2023. Collection method: clinical testing. Allele origin: germline.
Comment: The p.L124V variant (also known as c.370C>G), located in coding exon 3 of the SMARCA4 gene, results from a C to G substitution at nucleotide position 370. The leucine at codon 124 is replaced by valine, an amino acid with highly similar properties. This amino acid position is conserved. In addition, this alteration is predicted to be tolerated by in silico analysis. Based on the available evidence, the clinical significance of this variant remains unclear.

Labcorp Genetics (formerly Invitae), Labcorp
Classification: Uncertain significance for Rhabdoid tumor predisposition syndrome 2. Last evaluated: 2021-08-28. Review status: criteria provided, single submitter. Criteria: Invitae Variant Classification Sherloc (09022015). Collection method: clinical testing. Allele origin: germline.
Comment: This sequence change replaces leucine with valine at codon 124 of the SMARCA4 protein (p.Leu124Val). The leucine residue is highly conserved and there is a small physicochemical difference between leucine and valine. This variant is not present in population databases (ExAC no frequency). This variant has not been reported in the literature in individuals affected with SMARCA4-related conditions. Algorithms developed to predict the effect of missense changes on protein structure and function are either unavailable or do not agree on the potential impact of this missense change (SIFT: "Deleterious"; PolyPhen-2: "Benign"; Align-GVGD: "Class C25"). Algorithms developed to predict the effect of sequence changes on RNA splicing suggest that this variant may create or strengthen a splice site. In summary, the available evidence is currently insufficient to determine the role of this variant in disease. Therefore, it has been classified as a Variant of Uncertain Significance.

NM_003072.5(SMARCA4):c.370C>G (p.Leu124Val)

Gene: SMARCA4 (SWI/SNF related BAF chromatin remodeling complex subunit ATPase 4; plus strand). Cytogenetic location: 19p13.2.
Variant type: single nucleotide variant.
Coding change: c.370C>G on transcript NM_003072.5 (MANE Select); coding-DNA position 370, C replaced by G.
Protein change: p.Leu124Val; replaces leucine 124 with valine.
Molecular consequence: missense variant. On other transcripts: non-coding transcript variant (1).
Genome position (GRCh38, 1-based): chr19:10,986,203, C>G. VCF-style: chr19-10986203-C-G. GRCh37 (hg19) VCF-style: chr19-11096879-C-G.
Other names: c.370C>G, p.Leu124Val (NM_001128844.3, NM_001128845.2, NM_001128846.2 and 5 more transcripts); c.370C>G (NM_001128849.1); short protein forms L124V.
Identifiers: ClinVar variation 1411048 (VCV001411048.6), dbSNP rs2145771417, ClinGen allele CA404055620.
Genomic context (GRCh38, chr19:10,986,203, plus strand): 5'-CAGACATATGCTGCCGAGTGACCAGTGGGCTGACCTTTCTCTGCAGGTTACCCCTCGCCC[C>G]TGGGTGGCTCTGAGCATGCCTCTAGTCCAGTTCCAGCCAGTGGCCCGTCTTCGGGGCCCC-3'
Protein context (NP_003063.2, residues 114-134): DQHSQGYPSP[Leu124Val]GGSEHASSPV